The following is an entry in ClinVar:

ClinVar aggregate classification (germline): Uncertain significance (1 of 4 stars; one submission).

gnomAD v4.1: 2 of 1,614,150 alleles (0.00012%); highest among the groups gnomAD compares: Non-Finnish European, 0.00017%; no homozygotes.

Submission:

GeneDx
Classification: Uncertain significance. Last evaluated: 2024-07-18. Review status: criteria provided, single submitter. Criteria: GeneDx Variant Classification Process June 2021. Collection method: clinical testing. Allele origin: germline. Affected: yes.
Comment: Not observed at significant frequency in large population cohorts (gnomAD); In silico analysis supports that this missense variant has a deleterious effect on protein structure/function; Has not been previously published as pathogenic or benign to our knowledge

NM_001386135.1(AFF3):c.290A>G (p.Lys97Arg)

Gene: AFF3 (ALF transcription elongation factor 3; minus strand). Cytogenetic location: 2q11.2.
Variant type: single nucleotide variant.
Coding change: c.290A>G on transcript NM_001386135.1 (MANE Select); coding-DNA position 290, A replaced by G.
Protein change: p.Lys97Arg; replaces lysine 97 with arginine.
Molecular consequence: missense variant.
Genome position (GRCh38, 1-based): chr2:100,007,345, T>C on the plus strand (A>G on the coding strand, the complement: AFF3 is on the minus strand). VCF-style: chr2-100007345-T-C. GRCh37 (hg19) VCF-style: chr2-100623807-T-C.
Other names: c.365A>G, p.Lys122Arg (NM_001025108.2); c.290A>G, p.Lys97Arg (NM_002285.3); short protein forms K122R, K97R.
Identifiers: ClinVar variation 3573515 (VCV003573515.1).